The following is an entry in ClinVar:

ClinVar aggregate classification (germline): Uncertain significance. Review status: criteria provided, multiple submitters, no conflicts (2 of 4 stars). 2 submissions from 2 submitters: Uncertain significance (2). Last evaluated 2025-12-22.

Conditions:
Short stature-brachydactyly-obesity-global developmental delay syndrome. Also called: Short stature, brachydactyly, intellectual developmental disability, and seizures; SHORT STATURE, BRACHYDACTYLY, IMPAIRED INTELLECTUAL DEVELOPMENT, AND SEIZURES. Identifiers: Orphanet 464288, MedGen C4310689, MONDO:0014944, OMIM 617157.

Submissions (2):

3billion
Classification: Uncertain significance for Short stature-brachydactyly-obesity-global developmental delay syndrome. Last evaluated: 2025-12-22. Review status: criteria provided, single submitter. Criteria: ACMG Guidelines, 2015. Collection method: clinical testing. Allele origin: germline. Affected: yes.
Comment: The variant is not observed in the gnomAD v4.1.0 dataset. Predicted Consequence/Location: Missense variant In silico tool predictions suggest damaging effect of the variant on gene or gene product [REVEL: 0.64 (>=0.6, sensitivity 0.68 and specificity 0.92); 3Cnet: 0.99 (> 0.75, sensitivity 0.96 and precision 0.92)]. The variant has been reported as of uncertain significance (ClinVar ID: VCV002662767). Therefore, this variant is classified as VUS according to the recommendation of ACMG/AMP guideline.

GeneDx
Classification: Uncertain significance. Last evaluated: 2023-04-04. Review status: criteria provided, single submitter. Criteria: GeneDx Variant Classification Process June 2021. Collection method: clinical testing. Allele origin: germline. Affected: yes.
Comment: Not observed at significant frequency in large population cohorts (gnomAD); In silico analysis supports that this missense variant has a deleterious effect on protein structure/function; Has not been previously published as pathogenic or benign to our knowledge

NM_019023.5(PRMT7):c.524C>G (p.Pro175Arg)

Gene: PRMT7 (protein arginine methyltransferase 7; plus strand). Cytogenetic location: 16q22.1.
Variant type: single nucleotide variant.
Coding change: c.524C>G on transcript NM_019023.5 (MANE Select); coding-DNA position 524, C replaced by G.
Protein change: p.Pro175Arg; replaces proline 175 with arginine.
Molecular consequence: missense variant. On other transcripts: non-coding transcript variant (12).
Genome position (GRCh38, 1-based): chr16:68,339,341, C>G. VCF-style: chr16-68339341-C-G. GRCh37 (hg19) VCF-style: chr16-68373244-C-G.
Other names: c.374C>G, p.Pro125Arg (NM_001184824.4); c.524C>G, p.Pro175Arg (NM_001290018.2, NM_001351143.3, NM_001351144.3 and 1 more transcripts); c.317C>G, p.Pro106Arg (NM_001378020.1); c.287C>G, p.Pro96Arg (NM_001378021.1, NM_001378022.1, NM_001378023.1); short protein forms P106R, P125R, P175R, P96R.
Identifiers: ClinVar variation 2662767 (VCV002662767.2), dbSNP rs2544817988, ClinGen allele CA396433478.